The following is an entry in ClinVar:

ClinVar aggregate classification (germline): Likely benign. Review status: criteria provided, multiple submitters, no conflicts (2 of 4 stars). 2 submissions from 2 submitters: Likely benign (2). Last evaluated 2018-06-17.

Allele frequency attached by ClinVar (database versions not stated): gnomAD 0.02739 and 0.02884; TOPMed 0.03238; 1000 Genomes Project 0.04633; 1000 Genomes Project 30x 0.04700.
gnomAD v4.1: 27,241 of 1,056,650 alleles (2.6%); highest among the groups gnomAD compares: South Asian, 7.1%; 661 homozygotes.

Submissions (2):

GeneDx
Classification: Likely benign. Last evaluated: 2018-06-17. Review status: criteria provided, single submitter. Criteria: GeneDx Variant Classification (06012015). Collection method: clinical testing. Allele origin: germline. Affected: yes.
Comment: This variant is considered likely benign or benign based on one or more of the following criteria: it is a conservative change, it occurs at a poorly conserved position in the protein, it is predicted to be benign by multiple in silico algorithms, and/or has population frequency not consistent with disease.

Breakthrough Genomics
Classification: Likely benign. Review status: criteria provided, single submitter. Criteria: ACMG Guidelines, 2015. Collection method: not provided. Allele origin: germline. Inheritance: Autosomal dominant inheritance. Affected: yes.

NM_000465.4(BARD1):c.1568+111A>C

Gene: BARD1 (BRCA1 associated RING domain 1; minus strand). Cytogenetic location: 2q35.
Variant type: single nucleotide variant.
Coding change: c.1568+111A>C on transcript NM_000465.4 (MANE Select); 111 bases into the intron after coding-DNA position 1568, A replaced by C.
Molecular consequence: intron variant.
Genome position (GRCh38, 1-based): chr2:214,767,371, T>G on the plus strand (A>C on the coding strand, the complement: BARD1 is on the minus strand). VCF-style: chr2-214767371-T-G. GRCh37 (hg19) VCF-style: chr2-215632095-T-G.
Other names: c.159-14816A>C (NM_001282548.2); c.1511+111A>C (NM_001282543.2); c.216-14816A>C (NM_001282545.2); c.364+24926A>C (NM_001282549.2).
Identifiers: ClinVar variation 676543 (VCV000676543.2), dbSNP rs5031005, ClinGen allele CA64779721.